The following is an entry in ClinVar:

ClinVar aggregate classification (germline): Uncertain significance (1 of 4 stars; one submission).

Conditions:
Beckwith-Wiedemann syndrome (BWS). Also called: Exomphalos macroglossia gigantism syndrome; EMG SYNDROME. Identifiers: Orphanet 116, MedGen C0004903, MONDO:0007534, OMIM 130650.

Allele frequency attached by ClinVar (database versions not stated): gnomAD exomes below 0.00001.

Submission:

Labcorp Genetics (formerly Invitae), Labcorp
Classification: Uncertain significance for Beckwith-Wiedemann syndrome. Last evaluated: 2022-05-19. Review status: criteria provided, single submitter. Criteria: Invitae Variant Classification Sherloc (09022015). Collection method: clinical testing. Allele origin: germline.
Comment: This variant is not present in population databases (gnomAD no frequency). This sequence change replaces proline, which is neutral and non-polar, with leucine, which is neutral and non-polar, at codon 22 of the CDKN1C protein (p.Pro22Leu). This variant has not been reported in the literature in individuals affected with CDKN1C-related conditions. In summary, the available evidence is currently insufficient to determine the role of this variant in disease. Therefore, it has been classified as a Variant of Uncertain Significance. Algorithms developed to predict the effect of missense changes on protein structure and function are either unavailable or do not agree on the potential impact of this missense change (SIFT: "Deleterious"; PolyPhen-2: "Probably Damaging"; Align-GVGD: "Class C15").

NM_001122630.2(CDKN1C):c.32C>T (p.Pro11Leu)

Gene: CDKN1C (cyclin dependent kinase inhibitor 1C; minus strand). Cytogenetic location: 11p15.4.
Variant type: single nucleotide variant.
Coding change: c.32C>T on transcript NM_001122630.2 (MANE Select); coding-DNA position 32, C replaced by T.
Protein change: p.Pro11Leu; replaces proline 11 with leucine.
Molecular consequence: missense variant.
Genome position (GRCh38, 1-based): chr11:2,885,425, G>A on the plus strand (C>T on the coding strand, the complement: CDKN1C is on the minus strand). VCF-style: chr11-2885425-G-A. GRCh37 (hg19) VCF-style: chr11-2906655-G-A.
Other names: c.65C>T, p.Pro22Leu (NM_000076.2, NM_001362474.2); c.32C>T, p.Pro11Leu (NM_001122631.2, NM_001362475.2); short protein forms P22L, P11L.
Identifiers: ClinVar variation 1995391 (VCV001995391.4), dbSNP rs2494391003, ClinGen allele CA379147888.